The following is an entry in ClinVar:

ClinVar aggregate classification (germline): Uncertain significance (1 of 4 stars; one submission).

Submission:

Labcorp Genetics (formerly Invitae), Labcorp
Classification: Uncertain significance. Last evaluated: 2022-06-13. Review status: criteria provided, single submitter. Criteria: Invitae Variant Classification Sherloc (09022015). Collection method: clinical testing. Allele origin: germline.
Comment: Algorithms developed to predict the effect of missense changes on protein structure and function are either unavailable or do not agree on the potential impact of this missense change (SIFT: "Deleterious"; PolyPhen-2: "Probably Damaging"; Align-GVGD: "Class C0"). This sequence change replaces arginine, which is basic and polar, with histidine, which is basic and polar, at codon 1783 of the USP9X protein (p.Arg1783His). This variant is not present in population databases (gnomAD no frequency). This variant has not been reported in the literature in individuals affected with USP9X-related conditions. In summary, the available evidence is currently insufficient to determine the role of this variant in disease. Therefore, it has been classified as a Variant of Uncertain Significance.

NM_001039591.3(USP9X):c.5348G>A (p.Arg1783His)

Gene: USP9X (ubiquitin specific peptidase 9 X-linked; plus strand). Cytogenetic location: Xp11.4.
Variant type: single nucleotide variant.
Coding change: c.5348G>A on transcript NM_001039591.3 (MANE Select); coding-DNA position 5348, G replaced by A.
Protein change: p.Arg1783His; replaces arginine 1783 with histidine.
Molecular consequence: missense variant.
Genome position (GRCh38, 1-based): chrX:41,215,915, G>A. VCF-style: chrX-41215915-G-A. GRCh37 (hg19) VCF-style: chrX-41075168-G-A.
Other names: c.5348G>A, p.Arg1783His (NM_001039590.3); c.5363G>A, p.Arg1788His (NM_001410748.1, NM_001410749.1); short protein forms R1783H, R1788H.
Identifiers: ClinVar variation 2005670 (VCV002005670.4), dbSNP rs2519370536, ClinGen allele CA412789473.